The following is an entry in ClinVar:

ClinVar aggregate classification (germline): Uncertain significance. Review status: criteria provided, multiple submitters, no conflicts (2 of 4 stars). 2 submissions from 2 submitters: Uncertain significance (2). Last evaluated 2024-02-24.

Conditions:
Inborn genetic diseases. Identifiers: MedGen C0950123, MeSH D030342.

Allele frequency attached by ClinVar (database versions not stated): TOPMed below 0.00001; ExAC 0.00001; gnomAD 0.00001; gnomAD exomes 0.00001.
gnomAD v4.1: 20 of 1,593,672 alleles (0.0013%); highest among the groups gnomAD compares: African/African-American, 0.0027%; no homozygotes.

Submissions (2):

Labcorp Genetics (formerly Invitae), Labcorp
Classification: Uncertain significance. Last evaluated: 2024-02-24. Review status: criteria provided, single submitter. Criteria: Invitae Variant Classification Sherloc (09022015). Collection method: clinical testing. Allele origin: germline.
Comment: This sequence change replaces glutamic acid, which is acidic and polar, with alanine, which is neutral and non-polar, at codon 1348 of the LRRK1 protein (p.Glu1348Ala). This variant is present in population databases (rs779620336, gnomAD 0.002%). This variant has not been reported in the literature in individuals affected with LRRK1-related conditions. ClinVar contains an entry for this variant (Variation ID: 1461226). An algorithm developed to predict the effect of missense changes on protein structure and function (PolyPhen-2) suggests that this variant is likely to be disruptive. In summary, the available evidence is currently insufficient to determine the role of this variant in disease. Therefore, it has been classified as a Variant of Uncertain Significance.

Ambry Genetics
Classification: Uncertain significance for Inborn genetic diseases. Last evaluated: 2023-12-20. Review status: criteria provided, single submitter. Criteria: Ambry Variant Classification Scheme 2023. Collection method: clinical testing. Allele origin: germline.

NM_024652.6(LRRK1):c.4043A>C (p.Glu1348Ala)

Genes: LRRK1 (leucine rich repeat kinase 1; plus strand), LRRK1-AS1 (LRRK1 antisense RNA 1; minus strand). Cytogenetic location: 15q26.3.
Variant type: single nucleotide variant.
Coding change: c.4043A>C on transcript NM_024652.6 (MANE Select); coding-DNA position 4043, A replaced by C.
Protein change: p.Glu1348Ala; replaces glutamic acid 1348 with alanine.
Molecular consequence: missense variant.
Genome position (GRCh38, 1-based): chr15:101,053,409, A>C. VCF-style: chr15-101053409-A-C. GRCh37 (hg19) VCF-style: chr15-101593614-A-C.
Other names: c.4043A>C (NM_024652.3); short protein forms E1348A.
Identifiers: ClinVar variation 1461226 (VCV001461226.9), dbSNP rs779620336, ClinGen allele CA7761725.
Genomic context (GRCh38, chr15:101,053,409, plus strand): 5'-ACCCGCTCTGCTTCGCCCTGGAGCTCGCGCCGCTCAGCAGCCTCAACACCGTGCTGTCCG[A>C]GAACGCCAGAGGTACCGCGGCGCGCCGCCCCACCCGGCCCCGGAGACCGACAGAGCCCCG-3'
Protein context (NP_078928.3, residues 1338-1358): PLSSLNTVLS[Glu1348Ala]NARDSSFIPL